The following is an entry in ClinVar:

NC_000011.9:g.(?_101353660)_(101455148_?)dup

Gene: TRPC6 (transient receptor potential cation channel subfamily C member 6; minus strand). Cytogenetic location: 11q22.1.
Variant type: Duplication.
Identifiers: ClinVar variation 3244762 (VCV003244762.1).

ClinVar aggregate classification (germline): Uncertain significance (1 of 4 stars; one submission).

Submission:

Labcorp Genetics (formerly Invitae), Labcorp
Classification: Uncertain significance. Last evaluated: 2023-11-07. Review status: criteria provided, single submitter. Criteria: Invitae Variant Classification Sherloc (09022015). Collection method: clinical testing. Allele origin: unknown.
Comment: This variant results in a copy number gain of the genomic region encompassing exon(s) 1-5 of the TRPC6 gene. This region includes the initiator codon of the gene. This copy number gain extends beyond the assayed region for this gene and therefore may encompass additional genes. As the precise location of this event is unknown, it may be in tandem or it may be located elsewhere in the genome. This variant has not been reported in the literature in individuals affected with TRPC6-related conditions. In summary, the available evidence is currently insufficient to determine the role of this variant in disease. Therefore, it has been classified as a Variant of Uncertain Significance.